The following is an entry in ClinVar:

NM_002180.3(IGHMBP2):c.2139C>T (p.Asn713=)

Gene: IGHMBP2 (immunoglobulin mu DNA binding protein 2; plus strand). Cytogenetic location: 11q13.3.
Variant type: single nucleotide variant.
Coding change: c.2139C>T on transcript NM_002180.3 (MANE Select); coding-DNA position 2139, C replaced by T.
Protein change: p.Asn713=; no amino-acid change (asparagine 713 retained).
Molecular consequence: synonymous variant.
Genome position (GRCh38, 1-based): chr11:68,936,619, C>T. VCF-style: chr11-68936619-C-T. GRCh37 (hg19) VCF-style: chr11-68704087-C-T.
Identifiers: ClinVar variation 389492 (VCV000389492.21), dbSNP rs199879444, ClinGen allele CA6153844.
Genomic context (GRCh38, chr11:68,936,619, plus strand): 5'-CCGGAAGAAGCCGGCTGGGAAGTCTCTGGCCTCTGAAGCTCCATCTCAGCCCAGCCTCAA[C>T]GGAGGCAGCCCAGAGGGAGTGGAGAGCCAAGATGGCGTGGACCACTTCCGGGCCATGATA-3'
Protein context (NP_002171.2, residues 703-723): ASEAPSQPSL[Asn713=]GGSPEGVESQ

ClinVar aggregate classification (germline): Conflicting classifications of pathogenicity. Review status: criteria provided, conflicting classifications (1 of 4 stars). 5 submissions from 5 submitters: Uncertain significance (1); Likely benign (4). Last evaluated 2025-09-26.

Conditions:
IGHMBP2-related disorder. Also called: IGHMBP2-related disorders; IGHMBP2-related condition.
Autosomal recessive distal spinal muscular atrophy 1. Also called: NEURONOPATHY, SEVERE INFANTILE AXONAL, WITH RESPIRATORY FAILURE; HMN VI; SEVERE INFANTILE AXONAL NEUROPATHY WITH RESPIRATORY FAILURE; SPINAL MUSCULAR ATROPHY, DIAPHRAGMATIC; Spinal muscular atrophy with respiratory distress 1; NEURONOPATHY, DISTAL HEREDITARY MOTOR, HARDING TYPE VI. Identifiers: Orphanet 98920, MedGen C1858517, MONDO:0011436, OMIM 604320.
Charcot-Marie-Tooth disease axonal type 2S. Also called: CHARCOT-MARIE-TOOTH DISEASE, AXONAL, AUTOSOMAL RECESSIVE, TYPE 2S; CHARCOT-MARIE-TOOTH NEUROPATHY, TYPE 2S. Identifiers: Orphanet 443073, MedGen C4015349, MONDO:0014511, OMIM 616155.
Inborn genetic diseases. Identifiers: MedGen C0950123, MeSH D030342.

Allele frequency attached by ClinVar (database versions not stated): gnomAD 0.00006; ExAC 0.00008; TOPMed 0.00009; ESP Exome Variant Server 0.00015.
gnomAD v4.1: 93 of 1,613,560 alleles (0.0058%); highest among the groups gnomAD compares: African/African-American, 0.015%; no homozygotes.

Submissions (5):

PreventionGenetics, part of Exact Sciences
Classification: Likely benign for IGHMBP2-related condition. Last evaluated: 2025-09-26. Review status: criteria provided, single submitter. Criteria: ACMG Guidelines, 2015. Collection method: clinical testing. Allele origin: germline.
Comment: This variant is classified as likely benign based on ACMG/AMP sequence variant interpretation guidelines (Richards et al. 2015 PMID: 25741868, with internal and published modifications).

Labcorp Genetics (formerly Invitae), Labcorp
Classification: Likely benign for Autosomal recessive distal spinal muscular atrophy 1; Charcot-Marie-Tooth disease axonal type 2S. Last evaluated: 2025-03-03. Review status: criteria provided, single submitter. Criteria: Invitae Variant Classification Sherloc (09022015). Collection method: clinical testing. Allele origin: germline.

GeneDx
Classification: Likely benign. Last evaluated: 2021-04-09. Review status: criteria provided, single submitter. Criteria: GeneDx Variant Classification Process June 2021. Collection method: clinical testing. Allele origin: germline. Affected: yes.

Ambry Genetics
Classification: Likely benign for Inborn genetic diseases. Last evaluated: 2019-07-11. Review status: criteria provided, single submitter. Criteria: Ambry Variant Classification Scheme 2023. Collection method: clinical testing. Allele origin: germline.

Illumina Laboratory Services, Illumina
Classification: Uncertain significance for Autosomal recessive distal spinal muscular atrophy 1. Last evaluated: 2018-01-12. Review status: criteria provided, single submitter. Criteria: ICSL Variant Classification Criteria 13 December 2019. Collection method: clinical testing. Allele origin: germline.